The following is an entry in ClinVar:

NM_006949.4(STXBP2):c.1663A>G (p.Arg555Gly)

Gene: STXBP2 (syntaxin binding protein 2; plus strand). Cytogenetic location: 19p13.2.
Variant type: single nucleotide variant.
Coding change: c.1663A>G on transcript NM_006949.4 (MANE Select); coding-DNA position 1663, A replaced by G.
Protein change: p.Arg555Gly; replaces arginine 555 with glycine.
Molecular consequence: missense variant. On other transcripts: non-coding transcript variant (1).
Genome position (GRCh38, 1-based): chr19:7,647,478, A>G. VCF-style: chr19-7647478-A-G. GRCh37 (hg19) VCF-style: chr19-7712364-A-G.
Other names: p.Arg555Gly; c.1654A>G, p.Arg552Gly (NM_001127396.3); c.1696A>G, p.Arg566Gly (NM_001272034.2); short protein forms R555G, R566G, R552G.
Identifiers: ClinVar variation 260097 (VCV000260097.50), dbSNP rs61736586, ClinGen allele CA9144285.

ClinVar aggregate classification (germline): Benign/Likely benign. Review status: criteria provided, multiple submitters, no conflicts (2 of 4 stars). 8 submissions from 8 submitters: Benign (6); Likely benign (2). Last evaluated 2026-02-01.

Conditions:
Autoinflammatory syndrome. Identifiers: Orphanet 93665, MedGen C3890737, MONDO:0019751.
Familial hemophagocytic lymphohistiocytosis 5. Also called: STXBP2-Related Familial Hemophagocytic Lymphohistiocytosis (STXBP2-fHLH). Identifiers: Orphanet 540, MedGen C2751293, MONDO:0013135, OMIM 613101.

Allele frequency attached by ClinVar (database versions not stated): ExAC 0.00433; gnomAD 0.00849 and 0.00892; ESP Exome Variant Server 0.00893; TOPMed 0.00909; 1000 Genomes Project 0.01218; 1000 Genomes Project 30x 0.01249; gnomAD exomes 0.00101 and 0.00289.
gnomAD v4.1: 2,839 of 1,606,776 alleles (0.18%); highest among the groups gnomAD compares: African/African-American, 2.9%; 34 homozygotes.

Submissions (8):

Labcorp Genetics (formerly Invitae), Labcorp
Classification: Benign for Familial hemophagocytic lymphohistiocytosis 5. Last evaluated: 2026-02-01. Review status: criteria provided, single submitter. Criteria: Invitae Variant Classification Sherloc (09022015). Collection method: clinical testing. Allele origin: germline.

Mayo Clinic Laboratories, Mayo Clinic
Classification: Likely benign. Last evaluated: 2025-12-17. Review status: criteria provided, single submitter. Criteria: ACMG Guidelines, 2015. Collection method: clinical testing. Allele origin: germline. Observed: 15 variant alleles.
Comment: BS1, BS2_moderate

CeGaT Center for Human Genetics Tuebingen
Classification: Benign. Last evaluated: 2024-12-01. Review status: criteria provided, single submitter. Criteria: CeGaT Center For Human Genetics Tuebingen Variant Classification Criteria Version 2. Collection method: clinical testing. Allele origin: germline. Affected: yes. Observed: 2 variant alleles.
Comment: STXBP2: BP4, BS1, BS2

Fulgent Genetics
Classification: Likely benign for Familial hemophagocytic lymphohistiocytosis 5. Last evaluated: 2021-11-05. Review status: criteria provided, single submitter. Criteria: ACMG Guidelines, 2015. Collection method: clinical testing. Allele origin: unknown.

Genome Diagnostics Laboratory, The Hospital for Sick Children
Classification: Benign for Autoinflammatory syndrome. Last evaluated: 2020-05-01. Review status: criteria provided, single submitter. Criteria: ACMG Guidelines, 2015. Collection method: clinical testing. Allele origin: germline. Affected: yes.

Illumina Laboratory Services, Illumina
Classification: Benign for Familial hemophagocytic lymphohistiocytosis 5. Last evaluated: 2018-01-13. Review status: criteria provided, single submitter. Criteria: ICSL Variant Classification Criteria 13 December 2019. Collection method: clinical testing. Allele origin: germline.
Comment: This variant was observed in the ICSL laboratory as part of a predisposition screen in an ostensibly healthy population. It had not been previously curated by ICSL or reported in the Human Gene Mutation Database (HGMD: prior to June 1st, 2018), and was therefore a candidate for classification through an automated scoring system. Utilizing variant allele frequency, disease prevalence and penetrance estimates, and inheritance mode, an automated score was calculated to assess if this variant is too frequent to cause the disease. Based on the score and internal cut-off values, a variant classified as benign is not then subjected to further curation. The score for this variant resulted in a classification of benign for this disease.

Breakthrough Genomics
Classification: Benign. Review status: criteria provided, single submitter. Criteria: ACMG Guidelines, 2015. Collection method: not provided. Allele origin: germline. Inheritance: Autosomal recessive inheritance. Affected: yes.

PreventionGenetics, part of Exact Sciences
Classification: Benign. Review status: criteria provided, single submitter. Criteria: ACMG Guidelines, 2015. Collection method: clinical testing. Allele origin: germline.